The following is an entry in ClinVar:

ClinVar aggregate classification (germline): Uncertain significance (1 of 4 stars; one submission).

Conditions:
Inborn genetic diseases. Identifiers: MedGen C0950123, MeSH D030342.

gnomAD v4.1: 3 of 1,614,152 alleles (0.00019%); highest among the groups gnomAD compares: South Asian, 0.0033%; no homozygotes.

Submission:

Ambry Genetics
Classification: Uncertain significance for Inborn genetic diseases. Last evaluated: 2024-11-02. Review status: criteria provided, single submitter. Criteria: Ambry Variant Classification Scheme 2023. Collection method: clinical testing. Allele origin: germline.
Comment: The p.A965G variant (also known as c.2894C>G), located in coding exon 14 of the ATR gene, results from a C to G substitution at nucleotide position 2894. The alanine at codon 965 is replaced by glycine, an amino acid with similar properties. This amino acid position is conserved. In addition, this alteration is predicted to be tolerated by in silico analysis. Based on the available evidence, the clinical significance of this variant remains unclear.

NM_001184.4(ATR):c.2894C>G (p.Ala965Gly)

Gene: ATR (ATR serine/threonine kinase; minus strand). Cytogenetic location: 3q23.
Variant type: single nucleotide variant.
Coding change: c.2894C>G on transcript NM_001184.4 (MANE Select); coding-DNA position 2894, C replaced by G.
Protein change: p.Ala965Gly; replaces alanine 965 with glycine.
Molecular consequence: missense variant.
Genome position (GRCh38, 1-based): chr3:142,550,214, G>C on the plus strand (C>G on the coding strand, the complement: ATR is on the minus strand). VCF-style: chr3-142550214-G-C. GRCh37 (hg19) VCF-style: chr3-142269056-G-C.
Other names: c.2702C>G, p.Ala901Gly (NM_001354579.2); short protein forms A901G, A965G.
Identifiers: ClinVar variation 3463339 (VCV003463339.1).